The following is an entry in ClinVar:

NM_006231.4(POLE):c.6812T>C (p.Leu2271Pro)

Gene: POLE (DNA polymerase epsilon, catalytic subunit; minus strand). Cytogenetic location: 12q24.33.
Variant type: single nucleotide variant.
Coding change: c.6812T>C on transcript NM_006231.4 (MANE Select); coding-DNA position 6812, T replaced by C.
Protein change: p.Leu2271Pro; replaces leucine 2271 with proline.
Molecular consequence: missense variant.
Genome position (GRCh38, 1-based): chr12:132,624,746, A>G on the plus strand (T>C on the coding strand, the complement: POLE is on the minus strand). VCF-style: chr12-132624746-A-G. GRCh37 (hg19) VCF-style: chr12-133201332-A-G.
Other names: c.6812T>C (NM_006231.2); short protein forms L2271P.
Identifiers: ClinVar variation 970528 (VCV000970528.12), dbSNP rs1217524841, ClinGen allele CA387365702.
Genomic context (GRCh38, chr12:132,624,746, plus strand): 5'-CCCGGGGCTGGCTAATGGCCCAGCTGTGGGTTCTTCTGCAGCAGCCACTCCAGGGTCTCC[A>G]GGAGGTACGACATGCCGTAGTGCTGGGCAATGTTCCGGAATATTCCGATCTGTTCCATGA-3'
Protein context (NP_006222.2, residues 2261-2281): IAQHYGMSYL[Leu2271Pro]ETLEWLLQKN

ClinVar aggregate classification (germline): Uncertain significance. Review status: criteria provided, multiple submitters, no conflicts (2 of 4 stars). 2 submissions from 2 submitters: Uncertain significance (2). Last evaluated 2023-04-30.

Conditions:
Hereditary cancer-predisposing syndrome. Also called: Neoplastic Syndromes, Hereditary; Hereditary Cancer Syndrome; Tumor predisposition; Hereditary neoplastic syndrome. Identifiers: Orphanet 140162, MedGen C0027672, MeSH D009386, MONDO:0015356.

Submissions (2):

Ambry Genetics
Classification: Uncertain significance for Hereditary cancer-predisposing syndrome. Last evaluated: 2023-04-30. Review status: criteria provided, single submitter. Criteria: Ambry Variant Classification Scheme 2023. Collection method: clinical testing. Allele origin: germline.
Comment: The p.L2271P variant (also known as c.6812T>C), located in coding exon 49 of the POLE gene, results from a T to C substitution at nucleotide position 6812. The leucine at codon 2271 is replaced by proline, an amino acid with similar properties. This amino acid position is conserved. In addition, this alteration is predicted to be tolerated by in silico analysis. Since supporting evidence is limited at this time, the clinical significance of this alteration remains unclear.

Labcorp Genetics (formerly Invitae), Labcorp
Classification: Uncertain significance. Last evaluated: 2022-11-06. Review status: criteria provided, single submitter. Criteria: Invitae Variant Classification Sherloc (09022015). Collection method: clinical testing. Allele origin: germline.
Comment: In summary, the available evidence is currently insufficient to determine the role of this variant in disease. Therefore, it has been classified as a Variant of Uncertain Significance. Advanced modeling of protein sequence and biophysical properties (such as structural, functional, and spatial information, amino acid conservation, physicochemical variation, residue mobility, and thermodynamic stability) performed at Invitae indicates that this missense variant is not expected to disrupt POLE protein function. ClinVar contains an entry for this variant (Variation ID: 970528). This variant has not been reported in the literature in individuals affected with POLE-related conditions. This variant is not present in population databases (gnomAD no frequency). This sequence change replaces leucine, which is neutral and non-polar, with proline, which is neutral and non-polar, at codon 2271 of the POLE protein (p.Leu2271Pro).